The following is an entry in ClinVar:

ClinVar aggregate classification (germline): Uncertain significance (1 of 4 stars; one submission).

Conditions:
Hereditary cancer-predisposing syndrome. Also called: Neoplastic Syndromes, Hereditary; Tumor predisposition; Hereditary neoplastic syndrome; Hereditary Cancer Syndrome. Identifiers: Orphanet 140162, MedGen C0027672, MeSH D009386, MONDO:0015356.

Submission:

Ambry Genetics
Classification: Uncertain significance for Hereditary cancer-predisposing syndrome. Last evaluated: 2024-03-08. Review status: criteria provided, single submitter. Criteria: Ambry Variant Classification Scheme 2023. Collection method: clinical testing. Allele origin: germline.
Comment: The p.F686C variant (also known as c.2057T>G), located in coding exon 12 of the PMS2 gene, results from a T to G substitution at nucleotide position 2057. The phenylalanine at codon 686 is replaced by cysteine, an amino acid with highly dissimilar properties. This amino acid position is conserved. In addition, this alteration is predicted to be deleterious by in silico analysis. Based on the available evidence, the clinical significance of this alteration remains unclear.

NM_000535.7(PMS2):c.2057T>G (p.Phe686Cys)

Gene: PMS2 (PMS1 homolog 2, mismatch repair system component; minus strand). Cytogenetic location: 7p22.1.
Variant type: single nucleotide variant.
Coding change: c.2057T>G on transcript NM_000535.7 (MANE Select); coding-DNA position 2057, T replaced by G.
Protein change: p.Phe686Cys; replaces phenylalanine 686 with cysteine.
Molecular consequence: missense variant. On other transcripts: non-coding transcript variant (1), intron variant (4).
Genome position (GRCh38, 1-based): chr7:5,982,941, A>C on the plus strand (T>G on the coding strand, the complement: PMS2 is on the minus strand). VCF-style: chr7-5982941-A-C. GRCh37 (hg19) VCF-style: chr7-6022572-A-C.
Other names: c.1652T>G, p.Phe551Cys (NM_001018040.1, NM_001322003.2, NM_001322004.2 and 15 more transcripts); c.1901T>G, p.Phe634Cys (NM_001322006.2, NM_001406870.1); c.1739T>G, p.Phe580Cys (NM_001322007.2, NM_001322008.2, NM_001406876.1 and 1 more transcripts); c.1496T>G, p.Phe499Cys (NM_001322010.2, NM_001406906.1, NM_001406907.1); c.1124T>G, p.Phe375Cys (NM_001322011.2, NM_001322012.2); c.1484T>G, p.Phe495Cys (NM_001322013.2, NM_001406909.1); c.2057T>G, p.Phe686Cys (NM_001322014.2, NM_001406871.1); c.1748T>G, p.Phe583Cys (NM_001322015.2, NM_001406875.1, NM_001406877.1 and 5 more transcripts); and 16 more; short protein forms F285C, F375C, F429C, F495C, F499C, F515C, F528C, F531C.
Identifiers: ClinVar variation 3231998 (VCV003231998.1), dbSNP rs2128704084, ClinGen allele CA366738089.